The following is an entry in ClinVar:

NM_005431.2(XRCC2):c.611G>C (p.Ser204Thr)

Gene: XRCC2 (X-ray repair cross complementing 2; minus strand). Cytogenetic location: 7q36.1.
Variant type: single nucleotide variant.
Coding change: c.611G>C on transcript NM_005431.2 (MANE Select); coding-DNA position 611, G replaced by C.
Protein change: p.Ser204Thr; replaces serine 204 with threonine.
Molecular consequence: missense variant.
Genome position (GRCh38, 1-based): chr7:152,648,874, C>G on the plus strand (G>C on the coding strand, the complement: XRCC2 is on the minus strand). VCF-style: chr7-152648874-C-G. GRCh37 (hg19) VCF-style: chr7-152345959-C-G.
Other names: short protein forms S204T.
Identifiers: ClinVar variation 1751726 (VCV001751726.3), dbSNP rs777439666, ClinGen allele CA370198322.

ClinVar aggregate classification (germline): Uncertain significance (1 of 4 stars; one submission).

Conditions:
Hereditary cancer-predisposing syndrome. Also called: Hereditary Cancer Syndrome; Hereditary neoplastic syndrome; Neoplastic Syndromes, Hereditary; Tumor predisposition. Identifiers: Orphanet 140162, MedGen C0027672, MeSH D009386, MONDO:0015356.

Submission:

Ambry Genetics
Classification: Uncertain significance for Hereditary cancer-predisposing syndrome. Last evaluated: 2025-09-28. Review status: criteria provided, single submitter. Criteria: Ambry Variant Classification Scheme 2023. Collection method: clinical testing. Allele origin: germline.
Comment: The p.S204T variant (also known as c.611G>C), located in coding exon 3 of the XRCC2 gene, results from a G to C substitution at nucleotide position 611. The serine at codon 204 is replaced by threonine, an amino acid with similar properties. This amino acid position is conserved. In addition, this alteration is predicted to be tolerated by in silico analysis. Since supporting evidence is limited at this time, the clinical significance of this alteration remains unclear.